The following is an entry in ClinVar:

ClinVar aggregate classification (germline): Conflicting classifications of pathogenicity. Review status: criteria provided, conflicting classifications (1 of 4 stars). 11 submissions from 11 submitters: Uncertain significance (3); Benign (1); Likely benign (3). 4 of the submissions do not count toward it. Last evaluated 2025-10-03.

Conditions:
Hereditary breast ovarian cancer syndrome. Also called: Breast and ovarian cancer; Hereditary breast and ovarian cancer; Hereditary breast and ovarian cancer syndrome; Hereditary breast and/or ovarian cancer syndrome; BRCA1- and BRCA2-Associated Hereditary Breast and Ovarian Cancer; Hereditary breast and ovarian cancer syndrome (HBOC). Identifiers: Orphanet 145, MedGen C0677776, MeSH D061325, MONDO:0003582. Disease mechanism: loss of function.
Breast-ovarian cancer, familial, susceptibility to, 1 (BROVCA1). Also called: BRCA1 Hereditary Breast and Ovarian Cancer; OVARIAN CANCER, SUSCEPTIBILITY TO. Identifiers: Orphanet 145, MedGen C2676676, MONDO:0011450, OMIM 604370. Disease mechanism: loss of function.
Hereditary cancer-predisposing syndrome. Also called: Tumor predisposition; Hereditary Cancer Syndrome; Neoplastic Syndromes, Hereditary; Hereditary neoplastic syndrome. Identifiers: Orphanet 140162, MedGen C0027672, MeSH D009386, MONDO:0015356.

Allele frequency attached by ClinVar (database versions not stated): gnomAD 0.00001; gnomAD exomes 0.00001.
gnomAD v4.1: 15 of 1,613,282 alleles (0.00093%); highest among the groups gnomAD compares: Non-Finnish European, 0.0012%; no homozygotes.

Submissions (11):

Ambry Genetics
Classification: Uncertain significance for Hereditary cancer-predisposing syndrome. Last evaluated: 2025-10-03. Review status: criteria provided, single submitter. Criteria: Ambry Variant Classification Scheme 2023. Collection method: clinical testing. Allele origin: germline.
Comment: The p.P798L variant (also known as c.2393C>T), located in coding exon 9 of the BRCA1 gene, results from a C to T substitution at nucleotide position 2393. The proline at codon 798 is replaced by leucine, an amino acid with similar properties. This alteration has been detected in a cohort of 122 patients who underwent multi-gene panel testing for hereditary cancer after having previously tested negative for mutations in BRCA1 and BRCA2 (Yadav S et al. Fam Cancer, 2017 07;16:319-328). This amino acid position is not well conserved in available vertebrate species. In addition, this alteration is predicted to be tolerated by in silico analysis. Since supporting evidence is limited at this time, the clinical significance of this alteration remains unclear.

Color Diagnostics, LLC DBA Color Health
Classification: Likely benign for Hereditary cancer-predisposing syndrome. Last evaluated: 2025-07-08. Review status: criteria provided, single submitter. Criteria: ACMG Guidelines, 2015. Collection method: clinical testing. Allele origin: germline.

Labcorp Genetics (formerly Invitae), Labcorp
Classification: Uncertain significance for Hereditary breast ovarian cancer syndrome. Last evaluated: 2024-09-19. Review status: criteria provided, single submitter. Criteria: Invitae Variant Classification Sherloc (09022015). Collection method: clinical testing. Allele origin: germline.
Comment: This sequence change replaces proline, which is neutral and non-polar, with leucine, which is neutral and non-polar, at codon 798 of the BRCA1 protein (p.Pro798Leu). This variant is present in population databases (no rsID available, gnomAD 0.002%). This missense change has been observed in individual(s) with clinical features of BRCA1-related conditions (PMID: 21520333). ClinVar contains an entry for this variant (Variation ID: 232813). Invitae Evidence Modeling of protein sequence and biophysical properties (such as structural, functional, and spatial information, amino acid conservation, physicochemical variation, residue mobility, and thermodynamic stability) indicates that this missense variant is not expected to disrupt BRCA1 protein function with a negative predictive value of 95%. Experimental studies have shown that this missense change does not substantially affect BRCA1 function (PMID: 23867111). In summary, the available evidence is currently insufficient to determine the role of this variant in disease. Therefore, it has been classified as a Variant of Uncertain Significance.

All of Us Research Program, National Institutes of Health
Classification: Uncertain significance for Breast-ovarian cancer, familial, susceptibility to, 1. Last evaluated: 2023-11-30. Review status: criteria provided, single submitter. Criteria: ACMG Guidelines, 2015. Collection method: clinical testing. Allele origin: germline. Inheritance: Autosomal dominant inheritance. Observed: 1 variant allele, 1 heterozygote.
Comment: This study involves interpretation of variants in research participants for the purpose of population health screening. Participant phenotype was not available at the time of variant classification. Additional details can be found in publication PMID: 35346344, PMCID: PMC8962531

German Consortium for Hereditary Breast and Ovarian Cancer, University Hospital Cologne
Classification: Benign for Hereditary breast ovarian cancer syndrome. Last evaluated: 2023-10-19. Review status: criteria provided, single submitter. Criteria: ACMG Guidelines, 2015. Collection method: curation. Allele origin: germline.
Comment: Coldspot variant outside (potentially) relevant functional domain, splice prediction no impact, spliceAI score )0.0) (ClinGen ACMG BRCA1/2 Criteria, ENIGMA, BP1_strong). According to the ACMG standard criteria we chose these criteria: BP1 (strong benign): Coldspot variant outside (potentially) relevant functional domain, splice prediction no impact, spliceAI score )0.0) (ClinGen ACMG BRCA1/2 Criteria, ENIGMA, BP1_strong), BS3 (strong benign): Bouwman et al, 2013: neutral ; Bouwman et al, 2020: neutral

University of Washington Department of Laboratory Medicine, University of Washington
Classification: Likely benign for Hereditary cancer-predisposing syndrome. Last evaluated: 2023-03-23. Review status: criteria provided, single submitter. Criteria: Dines et al. (Genet Med. 2020). Collection method: curation. Allele origin: germline.
Comment: Missense variant in a coldspot region where missense variants are very unlikely to be pathogenic (PMID:31911673).

BRCA1 coldspot (exon 11 using historical exon numbering). Reclassification based on statistical prior probability

Clinical Genetics DNA and cytogenetics Diagnostics Lab, Erasmus MC, Erasmus Medical Center
Classification: Likely benign for Breast-ovarian cancer, familial, susceptibility to, 1. Last evaluated: 2015-09-21. Review status: criteria provided, single submitter. Criteria: ACGS Guidelines, 2013. Collection method: clinical testing. Allele origin: germline. Affected: yes. Study: VKGL Data-share Consensus.

Counsyl
Classification: Uncertain significance for Breast-ovarian cancer, familial, susceptibility to, 1. Last evaluated: 2017-11-07. Review status: no assertion criteria provided. Collection method: clinical testing. Allele origin: unknown. Not counted in ClinVar's aggregate classification.

Diagnostic Laboratory, Department of Genetics, University Medical Center Groningen
Classification: Likely benign for Breast-ovarian cancer, familial, susceptibility to, 1. Review status: no assertion criteria provided. Collection method: clinical testing. Allele origin: germline. Affected: yes. Study: VKGL Data-share Consensus. Not counted in ClinVar's aggregate classification.

Genome Diagnostics Laboratory, University Medical Center Utrecht
Classification: Likely benign. Review status: no assertion criteria provided. Collection method: clinical testing. Allele origin: germline. Affected: yes. Study: VKGL Data-share Consensus. Not counted in ClinVar's aggregate classification.

Joint Genome Diagnostic Labs from Nijmegen and Maastricht, Radboudumc and MUMC+
Classification: Likely benign. Review status: no assertion criteria provided. Collection method: clinical testing. Allele origin: germline. Affected: yes. Study: VKGL Data-share Consensus. Not counted in ClinVar's aggregate classification.

Literature cited by the submitters: PubMed 27878467 (cited by Ambry Genetics and Counsyl); PubMed 21520333 (cited by Labcorp Genetics (formerly Invitae), Labcorp); PubMed 23867111 (cited by Labcorp Genetics (formerly Invitae), Labcorp and Counsyl).

NM_007294.4(BRCA1):c.2393C>T (p.Pro798Leu)

Gene: BRCA1 (BRCA1 DNA repair associated; minus strand). Cytogenetic location: 17q21.31.
Variant type: single nucleotide variant.
Coding change: c.2393C>T on transcript NM_007294.4 (MANE Select); coding-DNA position 2393, C replaced by T.
Protein change: p.Pro798Leu; replaces proline 798 with leucine.
Molecular consequence: missense variant. On other transcripts: intron variant (137).
Genome position (GRCh38, 1-based): chr17:43,093,138, G>A on the plus strand (C>T on the coding strand, the complement: BRCA1 is on the minus strand). VCF-style: chr17-43093138-G-A. GRCh37 (hg19) VCF-style: chr17-41245155-G-A.
Other names: c.454+1606C>T (NM_001408502.1); c.577+1606C>T (NM_001408489.1, NM_001408479.1, NM_001408482.1 and 9 more transcripts); c.661+1606C>T (NM_001408445.1, NM_001408432.1, NM_001408450.1 and 6 more transcripts); c.668-2106C>T (NM_001408431.1, NM_001408424.1, NM_001408421.1); c.784+1606C>T (NM_001408407.1, NM_001408402.1, NM_001408473.1 and 13 more transcripts); c.664+1606C>T (NM_001408443.1, NM_001408439.1, NM_001408425.1 and 12 more transcripts); c.671-2106C>T (NM_001408419.1, NM_001408422.1, NM_001408418.1 and 2 more transcripts); c.787+1606C>T (NM_001408403.1, NM_001407983.1, NM_001407975.1 and 17 more transcripts); and 41 more; short protein forms P798L, P751L, P502L, P670L, P671L, P727L, P731L, P750L.
Identifiers: ClinVar variation 232813 (VCV000232813.31), dbSNP rs876660005, ClinGen allele CA10580618.